The following is an entry in ClinVar:

NM_199420.4(POLQ):c.6546C>A (p.Asp2182Glu)

Gene: POLQ (DNA polymerase theta; minus strand). Cytogenetic location: 3q13.33.
Variant type: single nucleotide variant.
Coding change: c.6546C>A on transcript NM_199420.4 (MANE Select); coding-DNA position 6546, C replaced by A.
Protein change: p.Asp2182Glu; replaces aspartic acid 2182 with glutamic acid.
Molecular consequence: missense variant.
Genome position (GRCh38, 1-based): chr3:121,472,162, G>T on the plus strand (C>A on the coding strand, the complement: POLQ is on the minus strand). VCF-style: chr3-121472162-G-T. GRCh37 (hg19) VCF-style: chr3-121191009-G-T.
Other names: short protein forms D2182E.
Identifiers: ClinVar variation 2449037 (VCV002449037.2), dbSNP rs201717586, ClinGen allele CA81827280.
Genomic context (GRCh38, chr3:121,472,162, plus strand): 5'-TCTTCTCCATTCTAATATCAAGCCTGGTAAAGGATGTAATGCCTTTAATTTATTTAAAAC[G>T]TCCTGCCAAAAAAATATAAGGTAAGATTGAATTCTTGTCCAAATTCCACAGCAAGCTAGA-3'
Protein context (NP_955452.3, residues 2172-2192): RLGRQFSTSK[Asp2182Glu]VLNKLKALHP

ClinVar aggregate classification (germline): Uncertain significance (1 of 4 stars; one submission).

Allele frequency attached by ClinVar (database versions not stated): gnomAD 0.00001; TOPMed 0.00001.
gnomAD v4.1: 3 of 1,405,862 alleles (0.00021%); highest among the groups gnomAD compares: Non-Finnish European, 0.00029%; no homozygotes.

Submission:

Ambry Genetics
Classification: Uncertain significance. Last evaluated: 2023-02-28. Review status: criteria provided, single submitter. Criteria: Ambry Variant Classification Scheme 2023. Collection method: clinical testing. Allele origin: germline.
Comment: The p.D2182E variant (also known as c.6546C>A), located in coding exon 22 of the POLQ gene, results from a C to A substitution at nucleotide position 6546. The aspartic acid at codon 2182 is replaced by glutamic acid, an amino acid with highly similar properties. This amino acid position is conserved. In addition, this alteration is predicted to be tolerated by in silico analysis. Since supporting evidence is limited at this time, the clinical significance of this alteration remains unclear.